The following is an entry in ClinVar:

NM_003738.5(PTCH2):c.2642C>A (p.Pro881Gln)

Gene: PTCH2 (patched 2; minus strand). Cytogenetic location: 1p34.1.
Variant type: single nucleotide variant.
Coding change: c.2642C>A on transcript NM_003738.5 (MANE Select); coding-DNA position 2642, C replaced by A.
Protein change: p.Pro881Gln; replaces proline 881 with glutamine.
Molecular consequence: missense variant.
Genome position (GRCh38, 1-based): chr1:44,826,955, G>T on the plus strand (C>A on the coding strand, the complement: PTCH2 is on the minus strand). VCF-style: chr1-44826955-G-T. GRCh37 (hg19) VCF-style: chr1-45292627-G-T.
Other names: c.2642C>A, p.Pro881Gln (NM_001166292.2); short protein forms P881Q.
Identifiers: ClinVar variation 3311209 (VCV003311209.2).

ClinVar aggregate classification (germline): Uncertain significance. Review status: criteria provided, single submitter (1 of 4 stars). 2 submissions from 2 submitters: Uncertain significance (1). 1 of the submissions does not count toward it. Last evaluated 2024-04-29.

Conditions:
PTCH2-related disorder. Also called: PTCH2-related condition; PTCH2-related disease.

Submissions (2):

Ambry Genetics
Classification: Uncertain significance. Last evaluated: 2024-04-29. Review status: criteria provided, single submitter. Criteria: Ambry Variant Classification Scheme 2023. Collection method: clinical testing. Allele origin: germline.

PreventionGenetics, part of Exact Sciences
Classification: Uncertain significance for PTCH2-related condition. Last evaluated: 2024-08-04. Review status: no assertion criteria provided. Collection method: clinical testing. Allele origin: germline. Not counted in ClinVar's aggregate classification.
Comment: The PTCH2 c.2642C>A variant is predicted to result in the amino acid substitution p.Pro881Gln. This variant was reported in an individual with gastrointestinal stromal tumors (GIST), along with a known driver mutation in the KIT gene (Tang et al. 2016. PubMed ID: 27793025). This variant is reported in 0.0080% of alleles in individuals of African descent in gnomAD. This variant has not been reported in ClinVar, but variants affecting the same nucleotide and amino acid have been reported as variants of uncertain significance (c.2642C>T (p.Pro881Leu) and c.2642C>G (p.Pro881Arg)). At this time, the clinical significance of this variant is uncertain due to the absence of conclusive functional and genetic evidence.